The following is an entry in ClinVar:

ClinVar aggregate classification (germline): Benign. Review status: criteria provided, single submitter (1 of 4 stars). 2 submissions from 2 submitters: Benign (1). 1 of the submissions does not count toward it. Last evaluated 2019-12-31.

Conditions:
LRP1-related disorder. Also called: LRP1-related condition.

Allele frequency attached by ClinVar (database versions not stated): gnomAD exomes 0.00132 and 0.00414; gnomAD 0.00151 and 0.00204; TOPMed 0.00199; ExAC 0.00404; 1000 Genomes Project 30x 0.01171; 1000 Genomes Project 0.01278.
gnomAD v4.1: 2,419 of 1,614,214 alleles (0.15%); highest among the groups gnomAD compares: East Asian, 4.6%; 57 homozygotes.

Submissions (2):

Labcorp Genetics (formerly Invitae), Labcorp
Classification: Benign. Last evaluated: 2019-12-31. Review status: criteria provided, single submitter. Criteria: Invitae Variant Classification Sherloc (09022015). Collection method: clinical testing. Allele origin: germline.

PreventionGenetics, part of Exact Sciences
Classification: Benign for LRP1-related condition. Last evaluated: 2019-10-22. Review status: no assertion criteria provided. Collection method: clinical testing. Allele origin: germline. Not counted in ClinVar's aggregate classification.
Comment: This variant is classified as benign based on ACMG/AMP sequence variant interpretation guidelines (Richards et al. 2015 PMID: 25741868, with internal and published modifications).

NM_002332.3(LRP1):c.3507C>T (p.Asn1169=)

Gene: LRP1 (LDL receptor related protein 1; plus strand). Cytogenetic location: 12q13.3.
Variant type: single nucleotide variant.
Coding change: c.3507C>T on transcript NM_002332.3 (MANE Select); coding-DNA position 3507, C replaced by T.
Protein change: p.Asn1169=; no amino-acid change (asparagine 1169 retained).
Molecular consequence: synonymous variant.
Genome position (GRCh38, 1-based): chr12:57,173,940, C>T. VCF-style: chr12-57173940-C-T. GRCh37 (hg19) VCF-style: chr12-57567723-C-T.
Identifiers: ClinVar variation 773831 (VCV000773831.6), dbSNP rs79365493, ClinGen allele CA6643063.